The following is an entry in ClinVar:

NM_001556.3(IKBKB):c.769A>G (p.Ser257Gly)

Gene: IKBKB (inhibitor of nuclear factor kappa B kinase subunit beta; plus strand). Cytogenetic location: 8p11.21.
Variant type: single nucleotide variant.
Coding change: c.769A>G on transcript NM_001556.3 (MANE Select); coding-DNA position 769, A replaced by G.
Protein change: p.Ser257Gly; replaces serine 257 with glycine.
Molecular consequence: missense variant. On other transcripts: non-coding transcript variant (3).
Genome position (GRCh38, 1-based): chr8:42,314,398, A>G. VCF-style: chr8-42314398-A-G. GRCh37 (hg19) VCF-style: chr8-42171916-A-G.
Other names: c.577A>G, p.Ser193Gly (NM_001190720.3); c.592A>G, p.Ser198Gly (NM_001242778.2); short protein forms S193G, S198G, S257G.
Identifiers: ClinVar variation 4802732 (VCV004802732.1).
Genomic context (GRCh38, chr8:42,314,398, plus strand): 5'-CAGAAGAGTGAGGTGGACATTGTTGTTAGCGAAGACTTGAATGGAACGGTGAAGTTTTCA[A>G]GCTCTTTACCCTACCCCAATAATCTTAACAGGTAAGGCACAGCGGCATTACACGAATACA-3'
Protein context (NP_001547.1, residues 247-267): EDLNGTVKFS[Ser257Gly]SLPYPNNLNS

ClinVar aggregate classification (germline): Uncertain significance (1 of 4 stars; one submission).

Conditions:
Severe combined immunodeficiency due to IKK2 deficiency. Also called: Immunodeficiency 15; IMMUNODEFICIENCY 15B. Identifiers: Orphanet 397787, MedGen C4747743, MONDO:0014267, OMIM 615592.

Submission:

Labcorp Genetics (formerly Invitae), Labcorp
Classification: Uncertain significance for Severe combined immunodeficiency due to IKK2 deficiency. Last evaluated: 2025-03-18. Review status: criteria provided, single submitter. Criteria: Invitae Variant Classification Sherloc (09022015). Collection method: clinical testing. Allele origin: germline.
Comment: This sequence change replaces serine, which is neutral and polar, with glycine, which is neutral and non-polar, at codon 257 of the IKBKB protein (p.Ser257Gly). This variant is present in population databases (rs528587499, gnomAD 0.002%). This variant has not been reported in the literature in individuals affected with IKBKB-related conditions. Invitae Evidence Modeling of protein sequence and biophysical properties (such as structural, functional, and spatial information, amino acid conservation, physicochemical variation, residue mobility, and thermodynamic stability) indicates that this missense variant is not expected to disrupt IKBKB protein function with a negative predictive value of 95%. In summary, the available evidence is currently insufficient to determine the role of this variant in disease. Therefore, it has been classified as a Variant of Uncertain Significance.